The following is an entry in ClinVar:

ClinVar aggregate classification (germline): Uncertain significance (1 of 4 stars; one submission).

Conditions:
Ehlers-Danlos syndrome, classic type, 1 (EDSCL1). Also called: Ehlers-Danlos Syndrome, Classic Type, COL5A1-Related; EDS I; EHLERS-DANLOS SYNDROME, GRAVIS TYPE; EHLERS-DANLOS SYNDROME, SEVERE CLASSIC TYPE; Ehlers-Danlos syndrome, type 1. Identifiers: MedGen C0268335, MONDO:0019567, OMIM 130000.

Submission:

Labcorp Genetics (formerly Invitae), Labcorp
Classification: Uncertain significance for Ehlers-Danlos syndrome, classic type, 1. Last evaluated: 2025-10-01. Review status: criteria provided, single submitter. Criteria: Invitae Variant Classification Sherloc (09022015). Collection method: clinical testing. Allele origin: germline.
Comment: This variant, c.3467_3469dup, results in the insertion of 1 amino acid(s) of the COL5A1 protein (p.Gly1156dup), but otherwise preserves the integrity of the reading frame. This variant is not present in population databases (gnomAD no frequency). This variant has not been reported in the literature in individuals affected with COL5A1-related conditions. Experimental studies and prediction algorithms are not available or were not evaluated, and the functional significance of this variant is currently unknown. In summary, the available evidence is currently insufficient to determine the role of this variant in disease. Therefore, it has been classified as a Variant of Uncertain Significance.

NM_000093.5(COL5A1):c.3467_3469dup (p.Gly1156_Asp1157insGly)

Gene: COL5A1 (collagen type V alpha 1 chain; plus strand). Cytogenetic location: 9q34.3.
Variant type: Duplication.
Coding change: c.3467_3469dup on transcript NM_000093.5 (MANE Select); coding-DNA positions 3467 to 3469, 3 bases duplicated (GAG; older notation c.3467_3469dupGAG).
Protein change: p.Gly1156_Asp1157insGly.
Molecular consequence: inframe insertion.
Genome position (GRCh38, 1-based): chr9:134,809,283-134,809,285, GAG duplicated; duplicating any 3 consecutive bases within chr9:134,809,282-134,809,285 gives the same sequence; the c. name uses the placement nearest the transcript's 3' end. VCF-style (leftmost placement, unchanged base first): chr9-134809281-C-CGGA. GRCh37 (hg19) VCF-style: chr9-137701127-C-CGGA.
Other names: c.3467_3469dup, p.Gly1156_Asp1157insGly (NM_001278074.1).
Identifiers: ClinVar variation 4811638 (VCV004811638.1).
Genomic context (GRCh38, chr9:134,809,281, plus strand): 5'-TCTCCAGGGGCCTGTGGGGCTCCCGGGTCCAGCTGGCCCTGTGGGTCCCCCTGGAGAAGA[C>CGGA]GGAGATAAGGTAAGGCAAATCCAGAGTGACCCATGGCTGGGCCTGGCTGGGCAGACGGGT-3'